The following is an entry in ClinVar:

NM_004958.4(MTOR):c.7333A>G (p.Arg2445Gly)

Gene: MTOR (mechanistic target of rapamycin kinase; minus strand). Cytogenetic location: 1p36.22.
Variant type: single nucleotide variant.
Coding change: c.7333A>G on transcript NM_004958.4 (MANE Select); coding-DNA position 7333, A replaced by G.
Protein change: p.Arg2445Gly; replaces arginine 2445 with glycine.
Molecular consequence: missense variant.
Genome position (GRCh38, 1-based): chr1:11,112,885, T>C on the plus strand (A>G on the coding strand, the complement: MTOR is on the minus strand). VCF-style: chr1-11112885-T-C. GRCh37 (hg19) VCF-style: chr1-11172942-T-C.
Other names: c.7333A>G, p.Arg2445Gly (NM_001386500.1); c.6085A>G, p.Arg2029Gly (NM_001386501.1); short protein forms R2029G, R2445G.
Identifiers: ClinVar variation 3730166 (VCV003730166.3).

ClinVar aggregate classification (germline): Uncertain significance. Review status: criteria provided, multiple submitters, no conflicts (2 of 4 stars). 2 submissions from 2 submitters: Uncertain significance (2). Last evaluated 2025-10-14.

Conditions:
Inborn genetic diseases. Identifiers: MedGen C0950123, MeSH D030342.

gnomAD v4.1: 5 of 1,614,140 alleles (0.00031%); highest among the groups gnomAD compares: Non-Finnish European, 0.00042%; no homozygotes.

Submissions (2):

Ambry Genetics
Classification: Uncertain significance for Inborn genetic diseases. Last evaluated: 2025-10-14. Review status: criteria provided, single submitter. Criteria: Ambry Variant Classification Scheme 2023. Collection method: clinical testing. Allele origin: germline.

Labcorp Genetics (formerly Invitae), Labcorp
Classification: Uncertain significance. Last evaluated: 2024-03-24. Review status: criteria provided, single submitter. Criteria: Invitae Variant Classification Sherloc (09022015). Collection method: clinical testing. Allele origin: germline.
Comment: This sequence change replaces arginine, which is basic and polar, with glycine, which is neutral and non-polar, at codon 2445 of the MTOR protein (p.Arg2445Gly). This variant is not present in population databases (gnomAD no frequency). This variant has not been reported in the literature in individuals affected with MTOR-related conditions. Advanced modeling of protein sequence and biophysical properties (such as structural, functional, and spatial information, amino acid conservation, physicochemical variation, residue mobility, and thermodynamic stability) performed at Invitae indicates that this missense variant is not expected to disrupt MTOR protein function with a negative predictive value of 95%. In summary, the available evidence is currently insufficient to determine the role of this variant in disease. Therefore, it has been classified as a Variant of Uncertain Significance.